The following is an entry in ClinVar:

ClinVar aggregate classification (germline): Conflicting classifications of pathogenicity. Review status: criteria provided, conflicting classifications (1 of 4 stars). 2 submissions from 2 submitters: Pathogenic (1); Uncertain significance (1). Last evaluated 2024-08-29.

Conditions:
Metaphyseal anadysplasia 2 (MANDP2). Also called: Metaphyseal anadysplasia 2, autosomal recessive. Identifiers: Orphanet 1040, MedGen C2751322, MONDO:0013113, OMIM 613073.

Allele frequency attached by ClinVar (database versions not stated): gnomAD 0.00001; TOPMed 0.00001; gnomAD exomes 0.00002; ExAC 0.00004.
gnomAD v4.1: 12 of 1,610,262 alleles (0.00075%); highest among the groups gnomAD compares: East Asian, 0.025%; no homozygotes.

Submissions (2):

MVZ Martinsried, Medicover Genetics
Classification: Pathogenic for Metaphyseal anadysplasia 2. Last evaluated: 2024-08-29. Review status: criteria provided, single submitter. Criteria: ACGS Guidelines, 2020. Collection method: clinical testing. Allele origin: inherited. Affected: yes. Observed: 1 homozygote.

Labcorp Genetics (formerly Invitae), Labcorp
Classification: Uncertain significance. Last evaluated: 2023-06-21. Review status: criteria provided, single submitter. Criteria: Invitae Variant Classification Sherloc (09022015). Collection method: clinical testing. Allele origin: germline.
Comment: In summary, the available evidence is currently insufficient to determine the role of this variant in disease. Therefore, it has been classified as a Variant of Uncertain Significance. This variant has not been reported in the literature in individuals affected with MMP9-related conditions. This sequence change creates a premature translational stop signal (p.Trp210*) in the MMP9 gene. It is expected to result in an absent or disrupted protein product. However, the current clinical and genetic evidence is not sufficient to establish whether loss-of-function variants in MMP9 cause disease. This variant is present in population databases (rs200618210, gnomAD 0.03%).

NM_004994.3(MMP9):c.630G>A (p.Trp210Ter)

Gene: MMP9 (matrix metallopeptidase 9; plus strand). Cytogenetic location: 20q13.12.
Variant type: single nucleotide variant.
Coding change: c.630G>A on transcript NM_004994.3 (MANE Select); coding-DNA position 630, G replaced by A.
Protein change: p.Trp210Ter; replaces tryptophan 210 with a stop codon.
Molecular consequence: nonsense.
Genome position (GRCh38, 1-based): chr20:46,011,031, G>A. VCF-style: chr20-46011031-G-A. GRCh37 (hg19) VCF-style: chr20-44639670-G-A.
Other names: short protein forms W210*.
Identifiers: ClinVar variation 3018466 (VCV003018466.4), dbSNP rs200618210, ClinGen allele CA9886458.